The following is an entry in ClinVar:

ClinVar aggregate classification (germline): Uncertain significance (1 of 4 stars; one submission).

Conditions:
Inborn genetic diseases. Identifiers: MedGen C0950123, MeSH D030342.

Submission:

Ambry Genetics
Classification: Uncertain significance for Inborn genetic diseases. Last evaluated: 2026-02-18. Review status: criteria provided, single submitter. Criteria: Ambry Variant Classification Scheme 2023. Collection method: clinical testing. Allele origin: germline.
Comment: The p.R1523L variant (also known as c.4568G>T), located in coding exon 1 of the SAMD9L gene, results from a G to T substitution at nucleotide position 4568. The arginine at codon 1523 is replaced by leucine, an amino acid with dissimilar properties. This amino acid position is conserved. In addition, this alteration is predicted to be tolerated by in silico analysis. Based on the available evidence, the clinical significance of this variant remains unclear.

NM_152703.5(SAMD9L):c.4568G>T (p.Arg1523Leu)

Gene: SAMD9L (sterile alpha motif domain containing 9 like; minus strand). Cytogenetic location: 7q21.2.
Variant type: single nucleotide variant.
Coding change: c.4568G>T on transcript NM_152703.5 (MANE Select); coding-DNA position 4568, G replaced by T.
Protein change: p.Arg1523Leu; replaces arginine 1523 with leucine.
Molecular consequence: missense variant.
Genome position (GRCh38, 1-based): chr7:93,131,404, C>A on the plus strand (G>T on the coding strand, the complement: SAMD9L is on the minus strand). VCF-style: chr7-93131404-C-A. GRCh37 (hg19) VCF-style: chr7-92760717-C-A.
Other names: c.4568G>T, p.Arg1523Leu (NM_001303496.3, NM_001303497.3, NM_001303498.3 and 5 more transcripts); short protein forms R1523L.
Identifiers: ClinVar variation 4844836 (VCV004844836.1).
Genomic context (GRCh38, chr7:93,131,404, plus strand): 5'-TTTTCCTCTGTTCCATATTCTACAGAGATTAGCTTGCCTTCAGCCTGACCAGTTAGACGA[C>A]GCAGGAGGTCTTTGACTTCATTTTTTTTCCACACATCCCCACTGTGCCAGAGGGAATTTG-3'
Protein context (NP_689916.2, residues 1513-1533): WKKNEVKDLL[Arg1523Leu]RLTGQAEGKL